The following is an entry in ClinVar:

NM_015512.5(DNAH1):c.6002C>T (p.Ser2001Phe)

Gene: DNAH1 (dynein axonemal heavy chain 1; plus strand). Cytogenetic location: 3p21.1.
Variant type: single nucleotide variant.
Coding change: c.6002C>T on transcript NM_015512.5 (MANE Select); coding-DNA position 6002, C replaced by T.
Protein change: p.Ser2001Phe; replaces serine 2001 with phenylalanine.
Molecular consequence: missense variant.
Genome position (GRCh38, 1-based): chr3:52,369,883, C>T. VCF-style: chr3-52369883-C-T. GRCh37 (hg19) VCF-style: chr3-52403899-C-T.
Other names: short protein forms S2001F.
Identifiers: ClinVar variation 478472 (VCV000478472.5), dbSNP rs772200369, ClinGen allele CA2434394.

ClinVar aggregate classification (germline): Uncertain significance (1 of 4 stars; one submission).

Conditions:
Spermatogenic failure 18. Identifiers: MedGen C4539783, MONDO:0054615, OMIM 617576.
Ciliary dyskinesia, primary, 37 (CILD37). Also called: CILIARY DYSKINESIA, PRIMARY, 37, WITH OR WITHOUT SITUS INVERSUS. Identifiers: MedGen C4539798, MONDO:0033204, OMIM 617577.

Allele frequency attached by ClinVar (database versions not stated): gnomAD exomes below 0.00001; ExAC 0.00001; gnomAD 0.00001.
gnomAD v4.1: 3 of 1,613,740 alleles (0.00019%); highest among the groups gnomAD compares: East Asian, 0.0022%; no homozygotes.

Submission:

Labcorp Genetics (formerly Invitae), Labcorp
Classification: Uncertain significance for Ciliary dyskinesia, primary, 37; Spermatogenic failure 18. Last evaluated: 2017-03-21. Review status: criteria provided, single submitter. Criteria: Invitae Variant Classification Sherloc (09022015). Collection method: clinical testing. Allele origin: germline.
Comment: In summary, this variant is a rare missense change with uncertain impact on protein function. There is no indication that it causes disease, but the available evidence is currently insufficient to prove that conclusively. Therefore, it has been classified as a Variant of Uncertain Significance. This variant is present in population databases (rs772200369, ExAC 0.01%) but has not been reported in the literature in individuals with a DNAH1-related disease. Algorithms developed to predict the effect of missense changes on protein structure and function (SIFT, PolyPhen-2, Align-GVGD) all suggest that this variant is likely to be disruptive, but these predictions have not been confirmed by published functional studies. This sequence change replaces serine with phenylalanine at codon 2001 of the DNAH1 protein (p.Ser2001Phe). The serine residue is highly conserved and there is a large physicochemical difference between serine and phenylalanine.